The following is an entry in ClinVar:

ClinVar aggregate classification (germline): Benign. Review status: criteria provided, multiple submitters, no conflicts (2 of 4 stars). 3 submissions from 3 submitters: Benign (3). Last evaluated 2026-07-01.

Allele frequency attached by ClinVar (database versions not stated): 1000 Genomes Project 0.00479; 1000 Genomes Project 30x 0.00515; gnomAD 0.00831 and 0.00881; TOPMed 0.00836; gnomAD exomes 0.00964 and 0.01088; ExAC 0.00995; ESP Exome Variant Server 0.01154.
gnomAD v4.1: 17,203 of 1,614,144 alleles (1.1%); highest among the groups gnomAD compares: Middle Eastern, 4.4%; 133 homozygotes.

Submissions (3):

CeGaT Center for Human Genetics Tuebingen
Classification: Benign. Last evaluated: 2026-07-01. Review status: criteria provided, single submitter. Criteria: CeGaT Center For Human Genetics Tuebingen Variant Classification Criteria Version 2. Collection method: clinical testing. Allele origin: germline. Affected: yes. Observed: 1 variant allele.
Comment: BUD13: BP4, BS1, BS2

Labcorp Genetics (formerly Invitae), Labcorp
Classification: Benign. Last evaluated: 2018-06-29. Review status: criteria provided, single submitter. Criteria: Invitae Variant Classification Sherloc (09022015). Collection method: clinical testing. Allele origin: germline.

Breakthrough Genomics
Classification: Benign. Review status: criteria provided, single submitter. Criteria: ACMG Guidelines, 2015. Collection method: not provided. Allele origin: germline. Inheritance: Unknown mechanism. Affected: yes.

NM_032725.4(BUD13):c.1163C>G (p.Ser388Cys)

Gene: BUD13 (BUD13 spliceosome associated protein; minus strand). Cytogenetic location: 11q23.3.
Variant type: single nucleotide variant.
Coding change: c.1163C>G on transcript NM_032725.4 (MANE Select); coding-DNA position 1163, C replaced by G.
Protein change: p.Ser388Cys; replaces serine 388 with cysteine.
Molecular consequence: missense variant.
Genome position (GRCh38, 1-based): chr11:116,760,826, G>C on the plus strand (C>G on the coding strand, the complement: BUD13 is on the minus strand). VCF-style: chr11-116760826-G-C. GRCh37 (hg19) VCF-style: chr11-116631542-G-C.
Other names: c.761C>G, p.Ser254Cys (NM_001159736.2); short protein forms S388C, S254C.
Identifiers: ClinVar variation 773014 (VCV000773014.5), dbSNP rs35004487, ClinGen allele CA6288082.